The following is an entry in ClinVar:

NM_001167.4(XIAP):c.410C>G (p.Ala137Gly)

Gene: XIAP (X-linked inhibitor of apoptosis; plus strand). Cytogenetic location: Xq25.
Variant type: single nucleotide variant.
Coding change: c.410C>G on transcript NM_001167.4 (MANE Select); coding-DNA position 410, C replaced by G.
Protein change: p.Ala137Gly; replaces alanine 137 with glycine.
Molecular consequence: missense variant.
Genome position (GRCh38, 1-based): chrX:123,886,072, C>G. VCF-style: chrX-123886072-C-G. GRCh37 (hg19) VCF-style: chrX-123019922-C-G.
Other names: c.410C>G, p.Ala137Gly (NM_001204401.2, NM_001378590.1, NM_001378591.1 and 1 more transcripts); short protein forms A137G.
Identifiers: ClinVar variation 3013203 (VCV003013203.4), dbSNP rs1481437672, ClinGen allele CA414123462.

ClinVar aggregate classification (germline): Uncertain significance. Review status: criteria provided, multiple submitters, no conflicts (2 of 4 stars). 2 submissions from 2 submitters: Uncertain significance (2). Last evaluated 2025-11-03.

Conditions:
X-linked lymphoproliferative disease due to XIAP deficiency. Also called: XIAP DEFICIENCY; XIAP-Related Lymphoproliferative Disease, X-Linked. Identifiers: Orphanet 2442, Orphanet 538934, MedGen C1845076, MONDO:0010385, OMIM 300635.

Submissions (2):

Labcorp Genetics (formerly Invitae), Labcorp
Classification: Uncertain significance for X-linked lymphoproliferative disease due to XIAP deficiency. Last evaluated: 2025-11-03. Review status: criteria provided, single submitter. Criteria: Invitae Variant Classification Sherloc (09022015). Collection method: clinical testing. Allele origin: germline.
Comment: This sequence change replaces alanine, which is neutral and non-polar, with glycine, which is neutral and non-polar, at codon 137 of the XIAP protein (p.Ala137Gly). This variant is not present in population databases (gnomAD no frequency). This variant has not been reported in the literature in individuals affected with XIAP-related conditions. ClinVar contains an entry for this variant (Variation ID: 3013203). Invitae Evidence Modeling of protein sequence and biophysical properties (such as structural, functional, and spatial information, amino acid conservation, physicochemical variation, residue mobility, and thermodynamic stability) indicates that this missense variant is not expected to disrupt XIAP protein function with a negative predictive value of 80%. In summary, the available evidence is currently insufficient to determine the role of this variant in disease. Therefore, it has been classified as a Variant of Uncertain Significance.

Blueprint Genetics
Classification: Uncertain significance. Last evaluated: 2018-06-07. Review status: criteria provided, single submitter. Criteria: ACMG Guidelines, 2015. Collection method: clinical testing. Allele origin: germline.